The following is an entry in ClinVar:

ClinVar aggregate classification (germline): Uncertain significance (1 of 4 stars; one submission).

Conditions:
Hereditary breast ovarian cancer syndrome. Also called: Breast and ovarian cancer; BRCA1- and BRCA2-Associated Hereditary Breast and Ovarian Cancer; Hereditary breast and ovarian cancer; Hereditary breast and ovarian cancer syndrome (HBOC); Hereditary breast and/or ovarian cancer syndrome; Hereditary breast and ovarian cancer syndrome. Identifiers: Orphanet 145, MedGen C0677776, MeSH D061325, MONDO:0003582. Disease mechanism: loss of function.

Submission:

Labcorp Genetics (formerly Invitae), Labcorp
Classification: Uncertain significance for Hereditary breast ovarian cancer syndrome. Last evaluated: 2018-12-26. Review status: criteria provided, single submitter. Criteria: Invitae Variant Classification Sherloc (09022015). Collection method: clinical testing. Allele origin: germline.
Comment: This sequence change replaces alanine with threonine at codon 2465 of the BRCA2 protein (p.Ala2465Thr). The alanine residue is moderately conserved and there is a small physicochemical difference between alanine and threonine. In summary, the available evidence is currently insufficient to determine the role of this variant in disease. Therefore, it has been classified as a Variant of Uncertain Significance. Algorithms developed to predict the effect of missense changes on protein structure and function output the following: SIFT: "Deleterious"; PolyPhen-2: "Benign"; Align-GVGD: "Class C0". The threonine amino acid residue is found in multiple mammalian species, suggesting that this missense change does not adversely affect protein function. These predictions have not been confirmed by published functional studies and their clinical significance is uncertain. This variant has not been reported in the literature in individuals with BRCA2-related conditions. This variant is not present in population databases (ExAC no frequency).

NM_000059.4(BRCA2):c.7393G>A (p.Ala2465Thr)

Gene: BRCA2 (BRCA2 DNA repair associated; plus strand). Cytogenetic location: 13q13.1.
Variant type: single nucleotide variant.
Coding change: c.7393G>A on transcript NM_000059.4 (MANE Select); coding-DNA position 7393, G replaced by A.
Protein change: p.Ala2465Thr; replaces alanine 2465 with threonine.
Molecular consequence: missense variant.
Genome position (GRCh38, 1-based): chr13:32,355,246, G>A. VCF-style: chr13-32355246-G-A. GRCh37 (hg19) VCF-style: chr13-32929383-G-A.
Other names: short protein forms A2465T.
Identifiers: ClinVar variation 650480 (VCV000650480.9), dbSNP rs1593918562, ClinGen allele CA387741776.